The following is an entry in ClinVar:

ClinVar aggregate classification (germline): Likely pathogenic. Review status: criteria provided, single submitter (1 of 4 stars). 2 submissions from 2 submitters: Likely pathogenic (1). 1 of the submissions does not count toward it. Last evaluated 2018-10-31.

Conditions:
Familial thoracic aortic aneurysm and aortic dissection (TAAD). Also called: Thoracic aortic aneurysms and dissections. Identifiers: Orphanet 91387, MedGen C4707243, MONDO:0019625.
Marfan syndrome (MFS). Also called: Marfan syndrome type 1; Marfan syndrome, classic; Marfan's syndrome; FBN1-Related Marfan Syndrome; MARFAN SYNDROME, TYPE I. Identifiers: Orphanet 284963, Orphanet 558, MedGen C0024796, MONDO:0007947, OMIM 154700.

Submissions (2):

Labcorp Genetics (formerly Invitae), Labcorp
Classification: Likely pathogenic for Marfan syndrome; Familial thoracic aortic aneurysm and aortic dissection. Last evaluated: 2018-10-31. Review status: criteria provided, single submitter. Criteria: Invitae Variant Classification Sherloc (09022015). Collection method: clinical testing. Allele origin: germline.
Comment: In summary, the currently available evidence indicates that the variant is pathogenic, but additional data are needed to prove that conclusively. Therefore, this variant has been classified as Likely Pathogenic. Algorithms developed to predict the effect of missense changes on protein structure and function (SIFT, PolyPhen-2, Align-GVGD) all suggest that this variant is likely to be tolerated, but these predictions have not been confirmed by published functional studies and their clinical significance is uncertain. ClinVar contains an entry for this variant (Variation ID: 549464). This variant is not present in population databases (ExAC no frequency). This sequence change replaces histidine with proline at codon 2816 of the FBN1 protein (p.His2816Pro). The histidine residue is highly conserved and there is a moderate physicochemical difference between histidine and proline.

Center for Medical Genetics Ghent, University of Ghent
Classification: Uncertain significance for Marfan syndrome. Last evaluated: 2017-11-07. Review status: no assertion criteria provided. Collection method: clinical testing. Allele origin: de novo. Affected: yes. Not counted in ClinVar's aggregate classification.

NM_000138.5(FBN1):c.8447A>C (p.His2816Pro)

Gene: FBN1 (fibrillin 1; minus strand). Cytogenetic location: 15q21.1.
Variant type: single nucleotide variant.
Coding change: c.8447A>C on transcript NM_000138.5 (MANE Select); coding-DNA position 8447, A replaced by C.
Protein change: p.His2816Pro; replaces histidine 2816 with proline.
Molecular consequence: missense variant.
Genome position (GRCh38, 1-based): chr15:48,411,159, T>G on the plus strand (A>C on the coding strand, the complement: FBN1 is on the minus strand). VCF-style: chr15-48411159-T-G. GRCh37 (hg19) VCF-style: chr15-48703356-T-G.
Other names: short protein forms H2816P.
Identifiers: ClinVar variation 549464 (VCV000549464.9), dbSNP rs1555393532, ClinGen allele CA392319011.